The following is an entry in ClinVar:

NM_000545.8(HNF1A):c.382A>G (p.Ile128Val)

Gene: HNF1A (HNF1 homeobox A; plus strand). Cytogenetic location: 12q24.31.
Variant type: single nucleotide variant.
Coding change: c.382A>G on transcript NM_000545.8 (MANE Select); coding-DNA position 382, A replaced by G.
Protein change: p.Ile128Val; replaces isoleucine 128 with valine.
Molecular consequence: missense variant.
Genome position (GRCh38, 1-based): chr12:120,988,888, A>G. VCF-style: chr12-120988888-A-G. GRCh37 (hg19) VCF-style: chr12-121426691-A-G.
Other names: NM_001306179.2:c.382A>G; c.382A>G, p.Ile128Val (NM_001306179.2); short protein forms I128V.
Identifiers: ClinVar variation 1327618 (VCV001327618.7), dbSNP rs1876669657, ClinGen allele CA386959359.

ClinVar aggregate classification (germline): Uncertain significance. Review status: reviewed by expert panel (3 of 4 stars). 3 submissions from 3 submitters: Uncertain significance (1). 2 of the submissions do not count toward it. Last evaluated 2025-08-05.

Conditions:
Monogenic diabetes. Identifiers: Orphanet 183625, MedGen C3888631, MONDO:0015967.

Allele frequency attached by ClinVar (database versions not stated): TOPMed below 0.00001.

Submissions (3):

ClinGen Monogenic Diabetes Variant Curation Expert Panel
Classification: Uncertain significance for Monogenic diabetes. Last evaluated: 2025-08-05. Review status: reviewed by expert panel. Criteria: ClinGen Diabetes ACMG Specifications HNF1A V3.0.0. Collection method: curation. Allele origin: germline. Inheritance: Autosomal dominant inheritance.
Comment: The c.382A>G variant in the HNF1 homeobox A gene, HNF1A, causes an amino acid change of isoleucine to valine at codon 128 (p.(Ile128Val)) of NM_000545.8. This variant is located within a conserved region of the DNA binding domain (codons 107-174 and 201-280) of HNF1A, which is defined as critical for the protein’s function by the ClinGen MDEP (PM1_Supporting). This variant is also predicted to be deleterious by computational evidence, with a REVEL score of 0.7519, which is greater than the MDEP VCEP threshold of 0.70 (PP3). This variant is absent in gnomAD v4.1.0 (PM2_Supporting), and was identified in two unrelated individuals with non-autoimmune and non-absolute/near-absolute insulin-deficient diabetes; however, PS4_Moderate cannot be applied because this number is below the ClinGen MDEP threshold (internal lab contributor). One of these individuals has a clinical history highly specific for HNF1A-MODY (MODY probability calculator result >50%, negative genetic testing for HNF4A, and negative antibodies) (PP4_Moderate; internal lab contributor). This variant segregated with diabetes with one informative meiosis in their family; however, this does not meet the thresholds for PP1 set by the ClinGen MDEP (PMID: 27236918, internal lab contributor). In summary, c.382A>G meets the criteria to be classified as a variant of uncertain significance for monogenic diabetes. ACMG/AMP criteria applied, as specified by the ClinGen MDEP (specification version 3.0.0, approved 6/30/2025): PP4_Moderate, PP3, PM1_Supporting, PM2_Supporting.

Labcorp Genetics (formerly Invitae), Labcorp
Classification: Uncertain significance. Last evaluated: 2024-11-11. Review status: criteria provided, single submitter. Criteria: Invitae Variant Classification Sherloc (09022015). Collection method: clinical testing. Allele origin: germline. Not counted in ClinVar's aggregate classification.
Comment: This sequence change replaces isoleucine, which is neutral and non-polar, with valine, which is neutral and non-polar, at codon 128 of the HNF1A protein (p.Ile128Val). This variant is not present in population databases (gnomAD no frequency). This missense change has been observed in individual(s) with HNF1A-related conditions (PMID: 34789499, 36257325). ClinVar contains an entry for this variant (Variation ID: 1327618). Invitae Evidence Modeling of protein sequence and biophysical properties (such as structural, functional, and spatial information, amino acid conservation, physicochemical variation, residue mobility, and thermodynamic stability) indicates that this missense variant is not expected to disrupt HNF1A protein function with a negative predictive value of 80%. In summary, the available evidence is currently insufficient to determine the role of this variant in disease. Therefore, it has been classified as a Variant of Uncertain Significance.

Women's Health and Genetics/Laboratory Corporation of America, LabCorp
Classification: Uncertain significance. Last evaluated: 2024-09-25. Review status: criteria provided, single submitter. Criteria: LabCorp Variant Classification Summary - May 2015. Collection method: clinical testing. Allele origin: germline. Not counted in ClinVar's aggregate classification.
Comment: Variant summary: HNF1A c.382A>G (p.Ile128Val) results in a conservative amino acid change located in the Hepatocyte nuclear factor 1, N-terminal domain (IPR006899) of the encoded protein sequence. Four of five in-silico tools predict a damaging effect of the variant on protein function. The variant was absent in 251398 control chromosomes. The available data on variant occurrences in the general population are insufficient to allow any conclusion about variant significance. c.382A>G has been reported in the literature in individuals affected with Maturity Onset Diabetes Of The Young 3 (e.g. Mirshahi_2022, Colclough_2022). These report(s) do not provide unequivocal conclusions about association of the variant with Maturity Onset Diabetes Of The Young 3. To our knowledge, no experimental evidence demonstrating an impact on protein function has been reported. The following publications have been ascertained in the context of this evaluation (PMID: 34789499, 36257325). ClinVar contains an entry for this variant (Variation ID: 1327618). Based on the evidence outlined above, the variant was classified as uncertain significance.

Literature cited by the submitters: PubMed 34789499 (cited by Labcorp Genetics (formerly Invitae), Labcorp and Women's Health and Genetics/Laboratory Corporation of America, LabCorp); PubMed 36257325 (cited by Labcorp Genetics (formerly Invitae), Labcorp and Women's Health and Genetics/Laboratory Corporation of America, LabCorp).